The following is an entry in ClinVar:

NM_031485.4(GRWD1):c.1098C>T (p.Ser366=)

Gene: GRWD1 (glutamate rich WD repeat containing 1; plus strand). Cytogenetic location: 19q13.33.
Variant type: single nucleotide variant.
Coding change: c.1098C>T on transcript NM_031485.4 (MANE Select); coding-DNA position 1098, C replaced by T.
Protein change: p.Ser366=; no amino-acid change (serine 366 retained).
Molecular consequence: synonymous variant.
Genome position (GRCh38, 1-based): chr19:48,452,782, C>T. VCF-style: chr19-48452782-C-T. GRCh37 (hg19) VCF-style: chr19-48956039-C-T.
Identifiers: ClinVar variation 3033827 (VCV003033827.2), dbSNP rs138248385, ClinGen allele CA9551255.
Genomic context (GRCh38, chr19:48,452,782, plus strand): 5'-GGCCACCTTCAAGCAGCACGTGGCCCCCGTGACCTCCGTCGAGTGGCACCCCCAGGACAG[C>T]GGGGTCTTTGCAGCCTCGGGTGCAGACCACCAGATCACACAGTGGGACCTGGCAGTGGAG-3'
Protein context (NP_113673.3, residues 356-376): VTSVEWHPQD[Ser366=]GVFAASGADH

ClinVar aggregate classification (germline): Likely benign (0 of 4 stars; one submission).

Conditions:
GRWD1-related disorder. Also called: GRWD1-related condition.

Allele frequency attached by ClinVar (database versions not stated): 1000 Genomes Project 30x 0.00016; 1000 Genomes Project 0.00020; gnomAD 0.00043; TOPMed 0.00051; gnomAD exomes 0.00059; ESP Exome Variant Server 0.00062; ExAC 0.00076.
gnomAD v4.1: 943 of 1,610,926 alleles (0.059%); highest among the groups gnomAD compares: Middle Eastern, 0.79%; 3 homozygotes.

Submission:

PreventionGenetics, part of Exact Sciences
Classification: Likely benign for GRWD1-related condition. Last evaluated: 2019-07-25. Review status: no assertion criteria provided. Collection method: clinical testing. Allele origin: germline.
Comment: This variant is classified as likely benign based on ACMG/AMP sequence variant interpretation guidelines (Richards et al. 2015 PMID: 25741868, with internal and published modifications).